The following is an entry in ClinVar:

NM_025150.5(TARS2):c.1274A>G (p.Glu425Gly)

Gene: TARS2 (threonyl-tRNA synthetase 2, mitochondrial; plus strand). Cytogenetic location: 1q21.2.
Variant type: single nucleotide variant.
Coding change: c.1274A>G on transcript NM_025150.5 (MANE Select); coding-DNA position 1274, A replaced by G.
Protein change: p.Glu425Gly; replaces glutamic acid 425 with glycine.
Molecular consequence: missense variant. On other transcripts: non-coding transcript variant (2).
Genome position (GRCh38, 1-based): chr1:150,498,537, A>G. VCF-style: chr1-150498537-A-G. GRCh37 (hg19) VCF-style: chr1-150471013-A-G.
Other names: c.1028A>G, p.Glu343Gly (NM_001271895.2); c.884A>G, p.Glu295Gly (NM_001271896.2); short protein forms E295G, E343G, E425G.
Identifiers: ClinVar variation 1174007 (VCV001174007.6), dbSNP rs2102494691, ClinGen allele CA342328022.

ClinVar aggregate classification (germline): Likely pathogenic. Review status: criteria provided, single submitter (1 of 4 stars). 3 submissions from 3 submitters: Likely pathogenic (1). 2 of the submissions do not count toward it. Last evaluated 2025-10-28.

Conditions:
Combined oxidative phosphorylation defect type 21. Also called: Combined oxidative phosphorylation deficiency 21. Identifiers: Orphanet 420733, MedGen C4706316, MONDO:0014398, OMIM 615918.

Submissions (3):

3billion
Classification: Likely pathogenic for Combined oxidative phosphorylation defect type 21. Last evaluated: 2025-10-28. Review status: criteria provided, single submitter. Criteria: ACMG Guidelines, 2015. Collection method: clinical testing. Allele origin: germline. Affected: yes.
Comment: The variant is not observed in the gnomAD v4.1.0 dataset. Predicted Consequence/Location: Missense variant Functional studies provide moderate evidence of the variant having a damaging effect on the gene or gene product (PMID: 34508595). In silico tool predictions suggest damaging effect of the variant on gene or gene product [REVEL: 0.84 (>=0.6, sensitivity 0.68 and specificity 0.92)]. The same nucleotide change resulting in the same amino acid change has been previously reported to be associated with TARS2-related disorder (ClinVar ID: VCV001174007 /PMID: 34508595). Therefore, this variant is classified as Likely pathogenic according to the recommendation of ACMG/AMP guideline.

OMIM
Classification: Pathogenic for COMBINED OXIDATIVE PHOSPHORYLATION DEFICIENCY 21. Last evaluated: 2024-04-01. Review status: no assertion criteria provided. Collection method: literature only. Allele origin: germline. Not counted in ClinVar's aggregate classification.

Department of Clinical Genetics, Copenhagen University Hospital, Rigshospitalet
Classification: Likely pathogenic for Combined oxidative phosphorylation defect type 21. Review status: no assertion criteria provided. Collection method: clinical testing. Allele origin: inherited. Affected: yes. Not counted in ClinVar's aggregate classification.

Literature cited by the submitters: PubMed 34508595 (cited by 3billion and OMIM).